The following is an entry in ClinVar:

ClinVar aggregate classification (germline): Uncertain significance (1 of 4 stars; one submission).

Allele frequency attached by ClinVar (database versions not stated): ExAC 0.00001; gnomAD 0.00001; TOPMed 0.00002; ESP Exome Variant Server 0.00008.
gnomAD v4.1: 85 of 1,613,802 alleles (0.0053%); highest among the groups gnomAD compares: Non-Finnish European, 0.0069%; 1 homozygote.

Submission:

Labcorp Genetics (formerly Invitae), Labcorp
Classification: Uncertain significance. Last evaluated: 2022-03-18. Review status: criteria provided, single submitter. Criteria: Invitae Variant Classification Sherloc (09022015). Collection method: clinical testing. Allele origin: germline.
Comment: In summary, the available evidence is currently insufficient to determine the role of this variant in disease. Therefore, it has been classified as a Variant of Uncertain Significance. Algorithms developed to predict the effect of missense changes on protein structure and function (SIFT, PolyPhen-2, Align-GVGD) all suggest that this variant is likely to be tolerated. This variant has not been reported in the literature in individuals affected with SIRT1-related conditions. This variant is present in population databases (rs201007799, gnomAD 0.0009%). This sequence change replaces proline, which is neutral and non-polar, with threonine, which is neutral and polar, at codon 211 of the SIRT1 protein (p.Pro211Thr).

NM_012238.5(SIRT1):c.631C>A (p.Pro211Thr)

Gene: SIRT1 (sirtuin 1; plus strand). Cytogenetic location: 10q21.3.
Variant type: single nucleotide variant.
Coding change: c.631C>A on transcript NM_012238.5 (MANE Select); coding-DNA position 631, C replaced by A.
Protein change: p.Pro211Thr; replaces proline 211 with threonine.
Molecular consequence: missense variant. On other transcripts: intron variant (1).
Genome position (GRCh38, 1-based): chr10:67,888,965, C>A. VCF-style: chr10-67888965-C-A. GRCh37 (hg19) VCF-style: chr10-69648723-C-A.
Other names: c.-404C>A (NM_001314049.2); c.-97+1432C>A (NM_001142498.2); short protein forms P211T.
Identifiers: ClinVar variation 1941847 (VCV001941847.5), dbSNP rs201007799, ClinGen allele CA5521077.